The following is an entry in ClinVar:

NM_032383.5(HPS3):c.2107-18T>G

Gene: HPS3 (HPS3 biogenesis of lysosomal organelles complex 2 subunit 1; plus strand). Cytogenetic location: 3q24.
Variant type: single nucleotide variant.
Coding change: c.2107-18T>G on transcript NM_032383.5 (MANE Select); 18 bases into the intron before coding-DNA position 2107, T replaced by G.
Molecular consequence: intron variant.
Genome position (GRCh38, 1-based): chr3:149,162,130, T>G. VCF-style: chr3-149162130-T-G. GRCh37 (hg19) VCF-style: chr3-148879917-T-G.
Other names: c.1612-18T>G (NM_001308258.2).
Identifiers: ClinVar variation 2088585 (VCV002088585.5), dbSNP rs2473119899, ClinGen allele CA2577932185.

ClinVar aggregate classification (germline): Uncertain significance (1 of 4 stars; one submission).

Submissions (2):

Labcorp Genetics (formerly Invitae), Labcorp
Classification: Uncertain significance. Last evaluated: 2022-08-10. Review status: criteria provided, single submitter. Criteria: Invitae Variant Classification Sherloc (09022015). Collection method: clinical testing. Allele origin: germline.
Comment: In summary, the available evidence is currently insufficient to determine the role of this variant in disease. Therefore, it has been classified as a Variant of Uncertain Significance. Algorithms developed to predict the effect of sequence changes on RNA splicing suggest that this variant may disrupt the consensus splice site. This variant has not been reported in the literature in individuals affected with HPS3-related conditions. This variant is not present in population databases (gnomAD no frequency). This sequence change falls in intron 11 of the HPS3 gene. It does not directly change the encoded amino acid sequence of the HPS3 protein.

Dr. Peter K. Rogan Lab, Western University
No classification provided (evidence only). Condition: Squamous cell carcinoma of the head and neck. Review status: no classification provided. Collection method: in vitro. Allele origin: not applicable. Functional consequence: retained intron. Not counted in ClinVar's aggregate classification.